The following is an entry in ClinVar:

NM_001165963.4(SCN1A):c.5038G>A (p.Val1680Ile)

Genes: SCN1A (sodium voltage-gated channel alpha subunit 1; minus strand), LOC102724058 (uncharacterized LOC102724058; plus strand). Cytogenetic location: 2q24.3.
Variant type: single nucleotide variant.
Coding change: c.5038G>A on transcript NM_001165963.4 (MANE Select); coding-DNA position 5038, G replaced by A.
Protein change: p.Val1680Ile; replaces valine 1680 with isoleucine.
Molecular consequence: missense variant. On other transcripts: non-coding transcript variant (1).
Genome position (GRCh38, 1-based): chr2:165,992,237, C>T on the plus strand (G>A on the coding strand, the complement: SCN1A is on the minus strand). VCF-style: chr2-165992237-C-T. GRCh37 (hg19) VCF-style: chr2-166848747-C-T.
Other names: c.4954G>A, p.Val1652Ile (NM_001165964.3, NM_001353957.2, NM_001353958.2); c.5038G>A, p.Val1680Ile (NM_001202435.3, NM_001353948.2); c.5005G>A, p.Val1669Ile (NM_001353949.2, NM_001353950.2, NM_001353951.2 and 2 more transcripts); c.5002G>A, p.Val1668Ile (NM_001353954.2, NM_001353955.2); c.4951G>A, p.Val1651Ile (NM_001353960.2); c.2596G>A, p.Val866Ile (NM_001353961.2); short protein forms V1651I, V1652I, V1668I, V1669I, V1680I, V866I.
Identifiers: ClinVar variation 4689828 (VCV004689828.2).

ClinVar aggregate classification (germline): Uncertain significance. Review status: criteria provided, multiple submitters, no conflicts (2 of 4 stars). 2 submissions from 2 submitters: Uncertain significance (2). Last evaluated 2026-08-05.

Conditions:
Inborn genetic diseases. Identifiers: MedGen C0950123, MeSH D030342.

gnomAD v4.1: 1 of 1,613,684 alleles (0.000062%); highest among the groups gnomAD compares: Non-Finnish European, 0.000085%; no homozygotes.

Submissions (2):

Ambry Genetics
Classification: Uncertain significance for Inborn genetic diseases. Last evaluated: 2026-08-05. Review status: criteria provided, single submitter. Criteria: Ambry Variant Classification Scheme 2023. Collection method: clinical testing. Allele origin: germline.
Comment: The c.5038G>A (p.V1680I) alteration is located in exon 26 (coding exon 26) of the SCN1A gene. This alteration results from a G to A substitution at nucleotide position 5038, causing the valine (V) at amino acid position 1680 to be replaced by an isoleucine (I). This variant was not reported in population-based cohorts in the Genome Aggregation Database (gnomAD). Another variant at the same codon, c.5039T>A, (p.V1680D) has been identified in individual(s) with features consistent with SCN1A-related developmental and epileptic encephalopathy (external communication). This amino acid position is highly conserved in available vertebrate species. This missense variant is located in a region that has a low rate of benign missense variation (Lek, 2016; Firth, 2009). This alteration is predicted to be deleterious by in silico analysis. Based on insufficient or conflicting evidence, the clinical significance of this alteration remains unclear.

GeneDx
Classification: Uncertain significance. Last evaluated: 2025-07-27. Review status: criteria provided, single submitter. Criteria: GeneDx Variant Classification Process June 2021. Collection method: clinical testing. Allele origin: germline. Affected: yes.
Comment: Has not been previously published as pathogenic or benign to our knowledge; Not observed at significant frequency in large population cohorts (gnomAD); This substitution is predicted to be within the transmembrane segment S5 of the fourth homologous domain; In silico analysis suggests that this missense variant does not alter protein structure/function